The following is an entry in ClinVar:

NM_022042.4(SLC26A1):c.704G>A (p.Arg235Gln)

Genes: SLC26A1 (solute carrier family 26 member 1; minus strand), IDUA (alpha-L-iduronidase; plus strand). Cytogenetic location: 4p16.3.
Variant type: single nucleotide variant.
Coding change: c.704G>A on transcript NM_022042.4 (MANE Select); coding-DNA position 704, G replaced by A.
Protein change: p.Arg235Gln; replaces arginine 235 with glutamine.
Molecular consequence: missense variant. On other transcripts: intron variant (2).
Genome position (GRCh38, 1-based): chr4:990,235, C>T on the plus strand (G>A on the coding strand, the complement: SLC26A1 is on the minus strand). VCF-style: chr4-990235-C-T. GRCh37 (hg19) VCF-style: chr4-984023-C-T.
Other names: c.704G>A (NM_213613.2); c.704G>A, p.Arg235Gln (NM_213613.4); c.576+893G>A (NM_134425.4); c.299+2286C>T (NM_000203.5); short protein forms R235Q.
Identifiers: ClinVar variation 1417171 (VCV001417171.10), dbSNP rs369080577, ClinGen allele CA2801570.

ClinVar aggregate classification (germline): Uncertain significance. Review status: criteria provided, multiple submitters, no conflicts (2 of 4 stars). 3 submissions from 3 submitters: Uncertain significance (3). Last evaluated 2024-11-27.

Conditions:
Inborn genetic diseases. Identifiers: MedGen C0950123, MeSH D030342.
Nephrolithiasis, calcium oxalate. Also called: Calcium oxalate urolithiasis. Identifiers: MedGen C1833683, MONDO:0957318, HP:0008672.

Allele frequency attached by ClinVar (database versions not stated): gnomAD exomes 0.00003 and 0.00005; gnomAD 0.00004; TOPMed 0.00004; ExAC 0.00011.
gnomAD v4.1: 61 of 1,577,352 alleles (0.0039%); highest among the groups gnomAD compares: Admixed American, 0.024%; no homozygotes.

Submissions (3):

Ambry Genetics
Classification: Uncertain significance for Inborn genetic diseases. Last evaluated: 2024-11-27. Review status: criteria provided, single submitter. Criteria: Ambry Variant Classification Scheme 2023. Collection method: clinical testing. Allele origin: germline.

Labcorp Genetics (formerly Invitae), Labcorp
Classification: Uncertain significance. Last evaluated: 2022-12-20. Review status: criteria provided, single submitter. Criteria: Invitae Variant Classification Sherloc (09022015). Collection method: clinical testing. Allele origin: germline.
Comment: In summary, the available evidence is currently insufficient to determine the role of this variant in disease. Therefore, it has been classified as a Variant of Uncertain Significance. Advanced modeling of protein sequence and biophysical properties (such as structural, functional, and spatial information, amino acid conservation, physicochemical variation, residue mobility, and thermodynamic stability) performed at Invitae indicates that this missense variant is not expected to disrupt SLC26A1 protein function. ClinVar contains an entry for this variant (Variation ID: 1417171). This variant has not been reported in the literature in individuals affected with SLC26A1-related conditions. This variant is present in population databases (rs369080577, gnomAD 0.03%). This sequence change replaces arginine, which is basic and polar, with glutamine, which is neutral and polar, at codon 235 of the SLC26A1 protein (p.Arg235Gln).

Fulgent Genetics
Classification: Uncertain significance for Nephrolithiasis susceptibility caused by SLC26A1. Last evaluated: 2022-03-06. Review status: criteria provided, single submitter. Criteria: ACMG Guidelines, 2015. Collection method: clinical testing. Allele origin: unknown.